The following is an entry in ClinVar:

ClinVar aggregate classification (germline): Likely benign (0 of 4 stars; one submission).

Conditions:
DNAH2-related disorder. Also called: DNAH2-related condition.

Allele frequency attached by ClinVar (database versions not stated): gnomAD exomes 0.00010; ExAC 0.00042; ESP Exome Variant Server 0.00100; gnomAD 0.00123; TOPMed 0.00145; 1000 Genomes Project 30x 0.00219; 1000 Genomes Project 0.00240.
gnomAD v4.1: 341 of 1,614,166 alleles (0.021%); highest among the groups gnomAD compares: African/African-American, 0.4%; 1 homozygote.

Submission:

PreventionGenetics, part of Exact Sciences
Classification: Likely benign for DNAH2-related condition. Last evaluated: 2019-03-25. Review status: no assertion criteria provided. Collection method: clinical testing. Allele origin: germline.
Comment: This variant is classified as likely benign based on ACMG/AMP sequence variant interpretation guidelines (Richards et al. 2015 PMID: 25741868, with internal and published modifications).

NM_020877.5(DNAH2):c.1912C>T (p.Leu638=)

Gene: DNAH2 (dynein axonemal heavy chain 2; plus strand). Cytogenetic location: 17p13.1.
Variant type: single nucleotide variant.
Coding change: c.1912C>T on transcript NM_020877.5 (MANE Select); coding-DNA position 1912, C replaced by T.
Protein change: p.Leu638=; no amino-acid change (leucine 638 retained).
Molecular consequence: synonymous variant.
Genome position (GRCh38, 1-based): chr17:7,757,098, C>T. VCF-style: chr17-7757098-C-T. GRCh37 (hg19) VCF-style: chr17-7660416-C-T.
Identifiers: ClinVar variation 3052267 (VCV003052267.2), dbSNP rs151294623, ClinGen allele CA8356338.